The following is an entry in ClinVar:

ClinVar aggregate classification (germline): Uncertain significance (1 of 4 stars; one submission).

Submission:

GeneDx
Classification: Uncertain significance. Last evaluated: 2026-04-24. Review status: criteria provided, single submitter. Criteria: GeneDx Variant Classification Process June 2021. Collection method: clinical testing. Allele origin: germline.
Comment: Not observed at significant frequency in large population cohorts (gnomAD); In silico analysis suggests that this missense variant does not alter protein structure/function; Has not been previously published as pathogenic or benign to our knowledge

NM_006766.5(KAT6A):c.5221G>T (p.Ala1741Ser)

Gene: KAT6A (lysine acetyltransferase 6A; minus strand). Cytogenetic location: 8p11.21.
Variant type: single nucleotide variant.
Coding change: c.5221G>T on transcript NM_006766.5 (MANE Select); coding-DNA position 5221, G replaced by T.
Protein change: p.Ala1741Ser; replaces alanine 1741 with serine.
Molecular consequence: missense variant.
Genome position (GRCh38, 1-based): chr8:41,932,999, C>A on the plus strand (G>T on the coding strand, the complement: KAT6A is on the minus strand). VCF-style: chr8-41932999-C-A. GRCh37 (hg19) VCF-style: chr8-41790517-C-A.
Other names: short protein forms A1741S.
Identifiers: ClinVar variation 5037636 (VCV005037636.1).